The following is an entry in ClinVar:

ClinVar aggregate classification (germline): Pathogenic. Review status: criteria provided, multiple submitters, no conflicts (2 of 4 stars). 2 submissions from 2 submitters: Pathogenic (2). Last evaluated 2024-06-29.

Submissions (2):

Labcorp Genetics (formerly Invitae), Labcorp
Classification: Pathogenic. Last evaluated: 2024-06-29. Review status: criteria provided, single submitter. Criteria: Invitae Variant Classification Sherloc (09022015). Collection method: clinical testing. Allele origin: germline.
Comment: This sequence change replaces glycine, which is neutral and non-polar, with aspartic acid, which is acidic and polar, at codon 240 of the COL2A1 protein (p.Gly240Asp). This variant is not present in population databases (gnomAD no frequency). This missense change has been observed in individuals with clinical features of autosomal dominant Stickler syndrome (PMID: 20513134; Invitae). ClinVar contains an entry for this variant (Variation ID: 663729). Advanced modeling of protein sequence and biophysical properties (such as structural, functional, and spatial information, amino acid conservation, physicochemical variation, residue mobility, and thermodynamic stability) performed at Invitae indicates that this missense variant is expected to disrupt COL2A1 protein function with a positive predictive value of 95%. This variant disrupts the triple helix domain of COL2A1. Glycine residues within the Gly-Xaa-Yaa repeats of the triple helix domain are required for the structure and stability of fibrillar collagens (PMID: 7695699, 8218237, 19344236). In COL2A1, variants affecting these glycine residues are significantly enriched in individuals with disease (PMID: 9016532, 17078022) compared to the general population (ExAC). For these reasons, this variant has been classified as Pathogenic.

GeneDx
Classification: Pathogenic. Last evaluated: 2021-02-12. Review status: criteria provided, single submitter. Criteria: GeneDx Variant Classification Process June 2021. Collection method: clinical testing. Allele origin: germline. Affected: yes.
Comment: Has been reported in an individual with Stickler syndrome (Richards et al., 2010); Located in the triple helical region and replaces the Gly position in the canonical Gly-X-Y repeat; Not observed in large population cohorts (Lek et al., 2016); In silico analysis, which includes protein predictors and evolutionary conservation, supports a deleterious effect; This variant is associated with the following publications: (PMID: 20513134, 25525159)

Literature cited by the submitters: PubMed 20513134 (cited by Labcorp Genetics (formerly Invitae), Labcorp); PubMed 7695699 (cited by Labcorp Genetics (formerly Invitae), Labcorp); PubMed 8218237 (cited by Labcorp Genetics (formerly Invitae), Labcorp); PubMed 19344236 (cited by Labcorp Genetics (formerly Invitae), Labcorp); PubMed 9016532 (cited by Labcorp Genetics (formerly Invitae), Labcorp); PubMed 17078022 (cited by Labcorp Genetics (formerly Invitae), Labcorp).

NM_001844.5(COL2A1):c.719G>A (p.Gly240Asp)

Gene: COL2A1 (collagen type II alpha 1 chain; minus strand). Cytogenetic location: 12q13.11.
Variant type: single nucleotide variant.
Coding change: c.719G>A on transcript NM_001844.5 (MANE Select); coding-DNA position 719, G replaced by A.
Protein change: p.Gly240Asp; replaces glycine 240 with aspartic acid.
Molecular consequence: missense variant.
Genome position (GRCh38, 1-based): chr12:47,995,298, C>T on the plus strand (G>A on the coding strand, the complement: COL2A1 is on the minus strand). VCF-style: chr12-47995298-C-T. GRCh37 (hg19) VCF-style: chr12-48389081-C-T.
Other names: c.512G>A, p.Gly171Asp (NM_033150.3); short protein forms G171D, G240D.
Identifiers: ClinVar variation 663729 (VCV000663729.10), dbSNP rs1592232040, ClinGen allele CA384523390.